The following is an entry in ClinVar:

ClinVar aggregate classification (germline): Conflicting classifications of pathogenicity. Review status: criteria provided, conflicting classifications (1 of 4 stars). 2 submissions from 2 submitters: Likely pathogenic (1); Uncertain significance (1). Last evaluated 2025-12-17.

Conditions:
Familial partial lipodystrophy, Kobberling type. Also called: Familial partial lipodystrophy 1. Identifiers: Orphanet 79084, MedGen C1720859, MONDO:0012072, OMIM 608600.

Submissions (2):

Medical Genetics Clinic, University of Catania
Classification: Likely pathogenic for Familial partial lipodystrophy, Kobberling type. Last evaluated: 2025-12-17. Review status: criteria provided, single submitter. Criteria: ACMG Guidelines, 2015. Collection method: clinical testing. Allele origin: maternal. Inheritance: Autosomal dominant inheritance. Observed: 1 heterozygote.
Comment: The c.1466A>C variant in the NOTCH3 gene causes the substitution of an Asparagine with a Threonine at position 489 (p.Asn489Leu). In silico prediction tools suggest a detrimental effect on the structure/activity of the protein (Polyphen2: Probably Damaging, MUTTASTER: disease causing, SIFT: 0,01 Deleterious). In the light of the above, the c.1466A>C variant in the NOTCH3 gene has been classified as a Likely Pathogenic variant.

ARUP Laboratories, Molecular Genetics and Genomics, ARUP Laboratories
Classification: Uncertain significance. Last evaluated: 2025-06-27. Review status: criteria provided, single submitter. Criteria: ARUP Molecular Germline Variant Investigation Process 2024. Collection method: clinical testing. Allele origin: germline.
Comment: The NOTCH3 c.1466A>C; p.Asn489Thr variant, to our knowledge, is not reported in the medical literature or gene specific databases. This variant is also absent from the Genome Aggregation Database (v2.1.1), indicating it is not a common polymorphism. Computational analyses predict that this variant is deleterious (REVEL: 0.723). Most pathogenic NOTCH3 variants occur in exons 2-24 and either create or destroy a cysteine residue within an EGF-like domain (Rutten 2014). However, there are several amino acid substitutions not involving cysteine that may be disease-associated (Muino 2017). Although p.Asn489Thr does not involve a cysteine residue, due to its low population frequency its clinical significance is uncertain.

NM_000435.3(NOTCH3):c.1466A>C (p.Asn489Thr)

Gene: NOTCH3 (notch receptor 3; minus strand). Cytogenetic location: 19p13.12.
Variant type: single nucleotide variant.
Coding change: c.1466A>C on transcript NM_000435.3 (MANE Select); coding-DNA position 1466, A replaced by C.
Protein change: p.Asn489Thr; replaces asparagine 489 with threonine.
Molecular consequence: missense variant.
Genome position (GRCh38, 1-based): chr19:15,188,261, T>G on the plus strand (A>C on the coding strand, the complement: NOTCH3 is on the minus strand). VCF-style: chr19-15188261-T-G. GRCh37 (hg19) VCF-style: chr19-15299072-T-G.
Other names: p.Asn489Thr; short protein forms N489T.
Identifiers: ClinVar variation 4685921 (VCV004685921.2).